The following is an entry in ClinVar:

ClinVar aggregate classification (germline): Likely pathogenic (1 of 4 stars; one submission).

Conditions:
Hypertrophic cardiomyopathy. Also called: HYPERTROPHIC MYOCARDIOPATHY. Identifiers: Orphanet 217569, MedGen C0007194, MeSH D002312, MONDO:0005045, HP:0001639.

Submission:

Labcorp Genetics (formerly Invitae), Labcorp
Classification: Likely pathogenic for Hypertrophic cardiomyopathy. Last evaluated: 2023-04-25. Review status: criteria provided, single submitter. Criteria: Invitae Variant Classification Sherloc (09022015). Collection method: clinical testing. Allele origin: germline.
Comment: This sequence change replaces alanine, which is neutral and non-polar, with threonine, which is neutral and polar, at codon 868 of the MYH7 protein (p.Ala868Thr). This variant is not present in population databases (gnomAD no frequency). This variant has not been reported in the literature in individuals affected with MYH7-related conditions. Advanced modeling of protein sequence and biophysical properties (such as structural, functional, and spatial information, amino acid conservation, physicochemical variation, residue mobility, and thermodynamic stability) performed at Invitae indicates that this missense variant is expected to disrupt MYH7 protein function. In summary, the currently available evidence indicates that the variant is pathogenic, but additional data are needed to prove that conclusively. Therefore, this variant has been classified as Likely Pathogenic. This variant disrupts the p.Ala868 amino acid residue in MYH7. Other variant(s) that disrupt this residue have been determined to be pathogenic (PMID: 20624503, 27532257; Invitae). This suggests that this residue is clinically significant, and that variants that disrupt this residue are likely to be disease-causing.

Literature cited by the submitters: PubMed 20624503; PubMed 27532257.

NM_000257.4(MYH7):c.2602G>A (p.Ala868Thr)

Genes: MYH7 (myosin heavy chain 7; minus strand), LOC126861898 (BRD4-independent group 4 enhancer GRCh37_chr14:23893609-23894808; plus strand). Cytogenetic location: 14q11.2.
Variant type: single nucleotide variant.
Coding change: c.2602G>A on transcript NM_000257.4 (MANE Select); coding-DNA position 2602, G replaced by A.
Protein change: p.Ala868Thr; replaces alanine 868 with threonine.
Molecular consequence: missense variant.
Genome position (GRCh38, 1-based): chr14:23,424,846, C>T on the plus strand (G>A on the coding strand, the complement: MYH7 is on the minus strand). VCF-style: chr14-23424846-C-T. GRCh37 (hg19) VCF-style: chr14-23894055-C-T.
Other names: c.2602G>A, p.Ala868Thr (NM_001407004.1); short protein forms A868T.
Identifiers: ClinVar variation 2803488 (VCV002803488.3), dbSNP rs727504356, ClinGen allele CA389048040.